The following is an entry in ClinVar:

NM_015213.4(DENND5A):c.3387+1G>T

Gene: DENND5A (DENN domain containing 5A; minus strand). Cytogenetic location: 11p15.4.
Variant type: single nucleotide variant.
Coding change: c.3387+1G>T on transcript NM_015213.4 (MANE Select); the canonical splice donor site of the intron after coding-DNA position 3387, G replaced by T.
Molecular consequence: splice donor variant.
Genome position (GRCh38, 1-based): chr11:9,143,402, C>A on the plus strand (G>T on the coding strand, the complement: DENND5A is on the minus strand). VCF-style: chr11-9143402-C-A. GRCh37 (hg19) VCF-style: chr11-9164949-C-A.
Other names: c.3315+1G>T (NM_001348749.2); c.3387+1G>T (NM_001243254.2); c.3099+1G>T (NM_001348750.2).
Identifiers: ClinVar variation 1216523 (VCV001216523.4), dbSNP rs2136111918, ClinGen allele CA379600157.

ClinVar aggregate classification (germline): Pathogenic (1 of 4 stars; one submission).

Submission:

GeneDx
Classification: Pathogenic. Last evaluated: 2023-10-18. Review status: criteria provided, single submitter. Criteria: GeneDx Variant Classification Process June 2021. Collection method: clinical testing. Allele origin: germline. Affected: yes.
Comment: Canonical splice site variant in a gene for which loss-of-function is a known mechanism of disease; Not observed at significant frequency in large population cohorts (gnomAD); Has not been previously published as pathogenic or benign to our knowledge